The following is an entry in ClinVar:

NM_001375.3(DNASE2):c.183G>A (p.Trp61Ter)

Genes: DNASE2 (deoxyribonuclease 2, lysosomal; minus strand), LOC117125588 (CRISPRi-FlowFISH-validated KLF1 regulatory element 1; plus strand). Cytogenetic location: 19p13.13.
Variant type: single nucleotide variant.
Coding change: c.183G>A on transcript NM_001375.3 (MANE Select); coding-DNA position 183, G replaced by A.
Protein change: p.Trp61Ter; replaces tryptophan 61 with a stop codon.
Molecular consequence: nonsense.
Genome position (GRCh38, 1-based): chr19:12,881,056, C>T on the plus strand (G>A on the coding strand, the complement: DNASE2 is on the minus strand). VCF-style: chr19-12881056-C-T. GRCh37 (hg19) VCF-style: chr19-12991870-C-T.
Other names: short protein forms W61*.
Identifiers: ClinVar variation 1521961 (VCV001521961.3), dbSNP rs933038321, ClinGen allele CA305498371.

ClinVar aggregate classification (germline): Uncertain significance (1 of 4 stars; one submission).

Allele frequency attached by ClinVar (database versions not stated): gnomAD 0.00001; TOPMed 0.00001.

Submission:

Labcorp Genetics (formerly Invitae), Labcorp
Classification: Uncertain significance. Last evaluated: 2022-08-09. Review status: criteria provided, single submitter. Criteria: Invitae Variant Classification Sherloc (09022015). Collection method: clinical testing. Allele origin: germline.
Comment: This sequence change creates a premature translational stop signal (p.Trp61*) in the DNASE2 gene. It is expected to result in an absent or disrupted protein product. However, the current clinical and genetic evidence is not sufficient to establish whether loss-of-function variants in DNASE2 cause disease. This variant is not present in population databases (gnomAD no frequency). This variant has not been reported in the literature in individuals affected with DNASE2-related conditions. ClinVar contains an entry for this variant (Variation ID: 1521961). Experimental studies and prediction algorithms are not available or were not evaluated, and the functional significance of this variant is currently unknown. In summary, the available evidence is currently insufficient to determine the role of this variant in disease. Therefore, it has been classified as a Variant of Uncertain Significance.